The following is an entry in ClinVar:

ClinVar aggregate classification (germline): Conflicting classifications of pathogenicity. Review status: criteria provided, conflicting classifications (1 of 4 stars). 2 submissions from 2 submitters: Pathogenic (1); Uncertain significance (1). Last evaluated 2023-03-26.

Conditions:
Cardiovascular phenotype. Identifiers: MedGen CN230736.
Hereditary hemorrhagic telangiectasia (HHT). Also called: Osler hemorrhagic telangiectasia syndrome; ORW DISEASE; Osler Weber Rendu syndrome; OSLER-RENDU-WEBER DISEASE. Identifiers: Orphanet 774, MedGen C0039445, MONDO:0019180. Disease mechanism: loss of function.

Submissions (2):

Labcorp Genetics (formerly Invitae), Labcorp
Classification: Pathogenic for Hereditary hemorrhagic telangiectasia. Last evaluated: 2023-03-26. Review status: criteria provided, single submitter. Criteria: Invitae Variant Classification Sherloc (09022015). Collection method: clinical testing. Allele origin: germline.
Comment: Advanced modeling of protein sequence and biophysical properties (such as structural, functional, and spatial information, amino acid conservation, physicochemical variation, residue mobility, and thermodynamic stability) has been performed at Invitae for this missense variant, however the output from this modeling did not meet the statistical confidence thresholds required to predict the impact of this variant on ENG protein function. This sequence change replaces methionine, which is neutral and non-polar, with lysine, which is basic and polar, at codon 269 of the ENG protein (p.Met269Lys). This variant is not present in population databases (gnomAD no frequency). This missense change has been observed in individual(s) with clinical features of hereditary hemorrhagic telangiectasia (Invitae). ClinVar contains an entry for this variant (Variation ID: 1069311). This variant disrupts the p.Met269 amino acid residue in ENG. Other variant(s) that disrupt this residue have been determined to be pathogenic (PMID: 20414677; Invitae). This suggests that this residue is clinically significant, and that variants that disrupt this residue are likely to be disease-causing. For these reasons, this variant has been classified as Pathogenic.

Ambry Genetics
Classification: Uncertain significance for Cardiovascular phenotype. Last evaluated: 2016-01-08. Review status: criteria provided, single submitter. Criteria: Ambry Variant Classification Scheme 2023. Collection method: clinical testing. Allele origin: germline.
Comment: The p.M269K variant (also known as c.806T>A), located in coding exon 6 of the ENG gene, results from a T to A substitution at nucleotide position 806. The methionine at codon 269 is replaced by lysine, an amino acid with some similar properties. Another alteration at the same codon, p.M269R (c.806T>G), was identified in multiple patients with clinical features of hereditary hemorrhagic telangiectasia and reportedly segregated with disease (Richards-Yutz J et al. Hum Genet. 2010;128(1):61-77). The p.M269K variant was not reported in population based cohorts in the following databases: Database of Single Nucleotide Polymorphisms (dbSNP), NHLBI Exome Sequencing Project (ESP), and 1000 Genomes Project. In the ESP, this variant was not observed in 6503 samples (13006 alleles) with coverage at this position. This amino acid position is poorly conserved on limited sequence alignment. In addition, the in silico prediction for this alteration is inconclusive. Since supporting evidence is limited at this time, the clinical significance of this variant remains unclear.

Literature cited by the submitters: PubMed 20414677 (cited by Labcorp Genetics (formerly Invitae), Labcorp and Ambry Genetics).

NM_001114753.3(ENG):c.806T>A (p.Met269Lys)

Gene: ENG (endoglin; minus strand). Cytogenetic location: 9q34.11.
Variant type: single nucleotide variant.
Coding change: c.806T>A on transcript NM_001114753.3 (MANE Select); coding-DNA position 806, T replaced by A.
Protein change: p.Met269Lys; replaces methionine 269 with lysine.
Molecular consequence: missense variant.
Genome position (GRCh38, 1-based): chr9:127,825,241, A>T on the plus strand (T>A on the coding strand, the complement: ENG is on the minus strand). VCF-style: chr9-127825241-A-T. GRCh37 (hg19) VCF-style: chr9-130587520-A-T.
Other names: c.806T>A, p.Met269Lys (NM_000118.4, NM_001406715.1); c.260T>A, p.Met87Lys (NM_001278138.2); short protein forms M269K, M87K.
Identifiers: ClinVar variation 1069311 (VCV001069311.10), dbSNP rs752331196, ClinGen allele CA374983058.